The following is an entry in ClinVar:

ClinVar aggregate classification (germline): Uncertain significance (1 of 4 stars; one submission).

Conditions:
Multiple endocrine neoplasia, type 2 (MEN2). Identifiers: Orphanet 653, MedGen C4048306, MONDO:0019003. Disease mechanism: gain of function.

Submission:

Labcorp Genetics (formerly Invitae), Labcorp
Classification: Uncertain significance for Multiple endocrine neoplasia, type 2. Last evaluated: 2021-02-09. Review status: criteria provided, single submitter. Criteria: Invitae Variant Classification Sherloc (09022015). Collection method: clinical testing. Allele origin: germline.
Comment: In summary, the available evidence is currently insufficient to determine the role of this variant in disease. Therefore, it has been classified as a Variant of Uncertain Significance. Algorithms developed to predict the effect of missense changes on protein structure and function are either unavailable or do not agree on the potential impact of this missense change (SIFT: "Tolerated"; PolyPhen-2: "Probably Damaging"; Align-GVGD: "Class C0"). This variant has not been reported in the literature in individuals with RET-related conditions. This variant is not present in population databases (ExAC no frequency). This sequence change replaces leucine with methionine at codon 356 of the RET protein (p.Leu356Met). The leucine residue is highly conserved and there is a small physicochemical difference between leucine and methionine.

NM_020975.6(RET):c.1066C>A (p.Leu356Met)

Gene: RET (ret proto-oncogene; plus strand). Cytogenetic location: 10q11.21.
Variant type: single nucleotide variant.
Coding change: c.1066C>A on transcript NM_020975.6 (MANE Select); coding-DNA position 1066, C replaced by A.
Protein change: p.Leu356Met; replaces leucine 356 with methionine.
Molecular consequence: missense variant.
Genome position (GRCh38, 1-based): chr10:43,109,033, C>A. VCF-style: chr10-43109033-C-A. GRCh37 (hg19) VCF-style: chr10-43604481-C-A.
Other names: c.340C>A, p.Leu114Met (NM_001406778.1, NM_001406775.1, NM_001406776.1 and 1 more transcripts); c.76C>A, p.Leu26Met (NM_001406784.1); c.1066C>A, p.Leu356Met (NM_020629.2, NM_020630.7, NM_000323.2 and 6 more transcripts); c.304C>A, p.Leu102Met (NM_001355216.2); c.937C>A, p.Leu313Met (NM_001406761.1, NM_001406762.1, NM_001406764.1 and 1 more transcripts); c.778C>A, p.Leu260Met (NM_001406766.1, NM_001406767.1, NM_001406770.1); c.628C>A, p.Leu210Met (NM_001406771.1, NM_001406773.1); short protein forms L102M, L356M, L210M, L260M, L313M, L114M, L26M.
Identifiers: ClinVar variation 1478920 (VCV001478920.9), dbSNP rs876660102, ClinGen allele CA376547170.